The following is an entry in ClinVar:

ClinVar aggregate classification (germline): Conflicting classifications of pathogenicity. Review status: criteria provided, conflicting classifications (1 of 4 stars). 2 submissions from 2 submitters: Uncertain significance (1); Likely benign (1). Last evaluated 2021-06-14.

Conditions:
Neurofibromatosis, type 1 (NF1). Also called: Neurofibromatosis, type I; NEUROFIBROMATOSIS, TYPE I, SOMATIC; Peripheral type neurofibromatosis; VON RECKLINGHAUSEN DISEASE. Identifiers: Orphanet 636, MedGen C0027831, MONDO:0018975, OMIM 162200. Disease mechanism: loss of function.

Submissions (2):

Genetic Services Laboratory, University of Chicago
Classification: Uncertain significance. Last evaluated: 2021-06-14. Review status: criteria provided, single submitter. Criteria: ACMG Guidelines, 2015. Collection method: clinical testing. Allele origin: germline. Affected: no.
Comment: DNA sequence analysis of the NF1 gene demonstrated a sequence change in intron 4, c.480-7T>C. This sequence change is absent from known population databases (gnomAD). This sequence change is not clearly predicted to have a deleterious effect on splicing based on in silico splice prediction programs. This change does not appear to have been previously described in patients with NF1-related disorders. The functional significance of this sequence change is not known at present.

Labcorp Genetics (formerly Invitae), Labcorp
Classification: Likely benign for Neurofibromatosis, type 1. Last evaluated: 2020-05-29. Review status: criteria provided, single submitter. Criteria: Invitae Variant Classification Sherloc (09022015). Collection method: clinical testing. Allele origin: germline.

NM_001042492.3(NF1):c.480-7T>C

Gene: NF1 (neurofibromin 1; plus strand). Cytogenetic location: 17q11.2.
Variant type: single nucleotide variant.
Coding change: c.480-7T>C on transcript NM_001042492.3 (MANE Select); 7 bases into the intron before coding-DNA position 480, T replaced by C.
Molecular consequence: intron variant.
Genome position (GRCh38, 1-based): chr17:31,169,884, T>C. VCF-style: chr17-31169884-T-C. GRCh37 (hg19) VCF-style: chr17-29496902-T-C.
Other names: c.480-7T>C (NM_000267.4, NM_001128147.3).
Identifiers: ClinVar variation 1097886 (VCV001097886.11), dbSNP rs2143706752, ClinGen allele CA2499223986.